The following is an entry in ClinVar:

NM_018972.4(GDAP1):c.346A>T (p.Met116Leu)

Gene: GDAP1 (ganglioside induced differentiation associated protein 1; plus strand). Cytogenetic location: 8q21.11.
Variant type: single nucleotide variant.
Coding change: c.346A>T on transcript NM_018972.4 (MANE Select); coding-DNA position 346, A replaced by T.
Protein change: p.Met116Leu; replaces methionine 116 with leucine.
Molecular consequence: missense variant. On other transcripts: intron variant (1).
Genome position (GRCh38, 1-based): chr8:74,360,172, A>T. VCF-style: chr8-74360172-A-T. GRCh37 (hg19) VCF-style: chr8-75272407-A-T.
Other names: c.142A>T, p.Met48Leu (NM_001040875.4); c.19A>T, p.Met7Leu (NM_001362929.2, NM_001362932.2); c.346A>T, p.Met116Leu (NM_001362931.2); c.311-1712A>T (NM_001362930.2); short protein forms M116L, M48L, M7L.
Identifiers: ClinVar variation 2702768 (VCV002702768.3), dbSNP rs752347121, ClinGen allele CA371548418.

ClinVar aggregate classification (germline): Uncertain significance (1 of 4 stars; one submission).

Conditions:
Charcot-Marie-Tooth disease type 4A. Also called: Charcot-Marie-Tooth disease, demyelinating, autosomal recessive, type 4a. Identifiers: Orphanet 99948, MedGen C1859198, MONDO:0008961, OMIM 214400.

Submission:

Labcorp Genetics (formerly Invitae), Labcorp
Classification: Uncertain significance for Charcot-Marie-Tooth disease type 4A. Last evaluated: 2024-01-05. Review status: criteria provided, single submitter. Criteria: Invitae Variant Classification Sherloc (09022015). Collection method: clinical testing. Allele origin: germline.
Comment: This sequence change replaces methionine, which is neutral and non-polar, with leucine, which is neutral and non-polar, at codon 116 of the GDAP1 protein (p.Met116Leu). This variant is not present in population databases (gnomAD no frequency). This variant has not been reported in the literature in individuals affected with GDAP1-related conditions. An algorithm developed to predict the effect of missense changes on protein structure and function (PolyPhen-2) suggests that this variant is likely to be tolerated. This variant disrupts the p.Met116 amino acid residue in GDAP1. Other variant(s) that disrupt this residue have been determined to be pathogenic (PMID: 15377708, 25429913). This suggests that this residue is clinically significant, and that variants that disrupt this residue are likely to be disease-causing. In summary, the available evidence is currently insufficient to determine the role of this variant in disease. Therefore, it has been classified as a Variant of Uncertain Significance.

Literature cited by the submitters: PubMed 15377708; PubMed 25429913.